The following is an entry in ClinVar:

NM_018706.7(DHTKD1):c.1956T>C (p.Ile652=)

Gene: DHTKD1 (dehydrogenase E1 and transketolase domain containing 1; plus strand). Cytogenetic location: 10p14.
Variant type: single nucleotide variant.
Coding change: c.1956T>C on transcript NM_018706.7 (MANE Select); coding-DNA position 1956, T replaced by C.
Protein change: p.Ile652=; no amino-acid change (isoleucine 652 retained).
Molecular consequence: synonymous variant.
Genome position (GRCh38, 1-based): chr10:12,106,305, T>C. VCF-style: chr10-12106305-T-C. GRCh37 (hg19) VCF-style: chr10-12148304-T-C.
Identifiers: ClinVar variation 725320 (VCV000725320.10), dbSNP rs375353018, ClinGen allele CA5408082.

ClinVar aggregate classification (germline): Likely benign. Review status: criteria provided, single submitter (1 of 4 stars). 2 submissions from 2 submitters: Likely benign (1). 1 of the submissions does not count toward it. Last evaluated 2025-07-07.

Conditions:
2-aminoadipic 2-oxoadipic aciduria (AAKAD). Also called: Aminoadipic aciduria; ALPHA-AMINOADIPIC AND ALPHA-KETOADIPIC ACIDURIA. Identifiers: Orphanet 79154, MedGen C1859817, MONDO:0008774, OMIM 204750.
DHTKD1-related disorder. Also called: DHTKD1-related condition.

Allele frequency attached by ClinVar (database versions not stated): gnomAD exomes 0.00001 and 0.00006; ExAC 0.00008; gnomAD 0.00012 and 0.00014; ESP Exome Variant Server 0.00015; TOPMed 0.00018.
gnomAD v4.1: 36 of 1,613,896 alleles (0.0022%); highest among the groups gnomAD compares: African/African-American, 0.047%; no homozygotes.

Submissions (2):

Labcorp Genetics (formerly Invitae), Labcorp
Classification: Likely benign for 2-aminoadipic 2-oxoadipic aciduria. Last evaluated: 2025-07-07. Review status: criteria provided, single submitter. Criteria: Invitae Variant Classification Sherloc (09022015). Collection method: clinical testing. Allele origin: germline.

PreventionGenetics, part of Exact Sciences
Classification: Likely benign for DHTKD1-related condition. Last evaluated: 2019-08-13. Review status: no assertion criteria provided. Collection method: clinical testing. Allele origin: germline. Not counted in ClinVar's aggregate classification.
Comment: This variant is classified as likely benign based on ACMG/AMP sequence variant interpretation guidelines (Richards et al. 2015 PMID: 25741868, with internal and published modifications).